The following is an entry in ClinVar:

NM_182961.4(SYNE1):c.18194G>A (p.Arg6065Gln)

Gene: SYNE1 (spectrin repeat containing nuclear envelope protein 1; minus strand). Cytogenetic location: 6q25.2.
Variant type: single nucleotide variant.
Coding change: c.18194G>A on transcript NM_182961.4 (MANE Select); coding-DNA position 18194, G replaced by A.
Protein change: p.Arg6065Gln; replaces arginine 6065 with glutamine.
Molecular consequence: missense variant.
Genome position (GRCh38, 1-based): chr6:152,283,991, C>T on the plus strand (G>A on the coding strand, the complement: SYNE1 is on the minus strand). VCF-style: chr6-152283991-C-T. GRCh37 (hg19) VCF-style: chr6-152605126-C-T.
Other names: c.17981G>A, p.Arg5994Gln (NM_033071.5); short protein forms R5994Q, R6065Q.
Identifiers: ClinVar variation 586717 (VCV000586717.9), dbSNP rs777432650, ClinGen allele CA4055037.

ClinVar aggregate classification (germline): Uncertain significance. Review status: criteria provided, multiple submitters, no conflicts (2 of 4 stars). 2 submissions from 2 submitters: Uncertain significance (2). Last evaluated 2022-08-22.

Conditions:
Emery-Dreifuss muscular dystrophy 4, autosomal dominant (EDMD4). Also called: EMERY-DREIFUSS MUSCULAR DYSTROPHY 4 WITH VARIABLE FEATURES. Identifiers: Orphanet 261, MedGen C2751807, MONDO:0013071, OMIM 612998.
Autosomal recessive ataxia, Beauce type. Also called: SYNE1-Related Autosomal Recessive Cerebellar Ataxia; Spinocerebellar ataxia, autosomal recessive 8; ATAXIA, RECESSIVE, OF BEAUCE; SYNE1 Deficiency. Identifiers: Orphanet 88644, MedGen C1853116, MONDO:0012549, OMIM 610743.

Allele frequency attached by ClinVar (database versions not stated): gnomAD exomes 0.00001 and 0.00004; ExAC 0.00003; gnomAD 0.00003.
gnomAD v4.1: 21 of 1,614,062 alleles (0.0013%); highest among the groups gnomAD compares: South Asian, 0.011%; no homozygotes.

Submissions (2):

Labcorp Genetics (formerly Invitae), Labcorp
Classification: Uncertain significance for Emery-Dreifuss muscular dystrophy 4, autosomal dominant; Autosomal recessive ataxia, Beauce type. Last evaluated: 2022-08-22. Review status: criteria provided, single submitter. Criteria: Invitae Variant Classification Sherloc (09022015). Collection method: clinical testing. Allele origin: germline.
Comment: This sequence change replaces arginine, which is basic and polar, with glutamine, which is neutral and polar, at codon 5994 of the SYNE1 protein (p.Arg5994Gln). In summary, the available evidence is currently insufficient to determine the role of this variant in disease. Therefore, it has been classified as a Variant of Uncertain Significance. Algorithms developed to predict the effect of missense changes on protein structure and function output the following: SIFT: "Deleterious"; PolyPhen-2: "Benign"; Align-GVGD: "Class C0". The glutamine amino acid residue is found in multiple mammalian species, which suggests that this missense change does not adversely affect protein function. ClinVar contains an entry for this variant (Variation ID: 586717). This variant has not been reported in the literature in individuals affected with SYNE1-related conditions. The frequency data for this variant in the population databases is considered unreliable, as metrics indicate poor data quality at this position in the gnomAD database.

Athena Diagnostics
Classification: Uncertain significance. Last evaluated: 2018-03-29. Review status: criteria provided, single submitter. Criteria: Athena Diagnostics Criteria. Collection method: clinical testing. Allele origin: germline.